The following is an entry in ClinVar:

NM_002334.4(LRP4):c.4937G>C (p.Arg1646Pro)

Genes: LRP4 (LDL receptor related protein 4; minus strand), LRP4-AS1 (LRP4 antisense RNA 1; plus strand). Cytogenetic location: 11p11.2.
Variant type: single nucleotide variant.
Coding change: c.4937G>C on transcript NM_002334.4 (MANE Select); coding-DNA position 4937, G replaced by C.
Protein change: p.Arg1646Pro; replaces arginine 1646 with proline.
Molecular consequence: missense variant.
Genome position (GRCh38, 1-based): chr11:46,868,614, C>G on the plus strand (G>C on the coding strand, the complement: LRP4 is on the minus strand). VCF-style: chr11-46868614-C-G. GRCh37 (hg19) VCF-style: chr11-46890165-C-G.
Other names: short protein forms R1646P.
Identifiers: ClinVar variation 1058795 (VCV001058795.9), dbSNP rs3816614, ClinGen allele CA380263487.
Genomic context (GRCh38, chr11:46,868,614, plus strand): 5'-TTCCAGGGGCTCTGCCGAGTGGCTCCAGCCATACAGTCCAACTCACCAAGGGAGCAGGGC[C>G]GGCTATCAGGTTCGTCAGGACAGGCACATACGAAGTCCGAGGCTCTGGCAAAGCAGAGGT-3'
Protein context (NP_002325.2, residues 1636-1656): VCACPDEPDS[Arg1646Pro]PCSLVPGLVP

ClinVar aggregate classification (germline): Uncertain significance (1 of 4 stars; one submission).

Conditions:
Cenani-Lenz syndactyly syndrome. Also called: SYNDACTYLY, TYPE VII; CENANI SYNDACTYLISM. Identifiers: Orphanet 3258, MedGen C1859309, MONDO:0008931, OMIM 212780.
Congenital myasthenic syndrome 17. Identifiers: Orphanet 590, MedGen C4225377, MONDO:0014578, OMIM 616304.
Sclerosteosis 2 (SOST2). Identifiers: Orphanet 3152, MedGen C3280402, MONDO:0013679, OMIM 614305.

Submission:

Labcorp Genetics (formerly Invitae), Labcorp
Classification: Uncertain significance for Cenani-Lenz syndactyly syndrome; Sclerosteosis 2; Congenital myasthenic syndrome 17. Last evaluated: 2020-03-26. Review status: criteria provided, single submitter. Criteria: Invitae Variant Classification Sherloc (09022015). Collection method: clinical testing. Allele origin: germline.
Comment: This sequence change replaces arginine with proline at codon 1646 of the LRP4 protein (p.Arg1646Pro). The arginine residue is moderately conserved and there is a moderate physicochemical difference between arginine and proline. This variant is not present in population databases (ExAC no frequency). This variant has not been reported in the literature in individuals with LRP4-related conditions. Algorithms developed to predict the effect of missense changes on protein structure and function (SIFT, PolyPhen-2, Align-GVGD) all suggest that this variant is likely to be tolerated, but these predictions have not been confirmed by published functional studies and their clinical significance is uncertain. In summary, the available evidence is currently insufficient to determine the role of this variant in disease. Therefore, it has been classified as a Variant of Uncertain Significance.